The following is an entry in ClinVar:

NC_000016.9:g.(2155476_2155865)_(2162475_2162788)del

Gene: PKD1 (polycystin 1, transient receptor potential channel interacting; minus strand). Cytogenetic location: 16p13.3.
Variant type: Deletion.
Identifiers: ClinVar variation 4687459 (VCV004687459.1).

ClinVar aggregate classification (germline): Pathogenic (1 of 4 stars; one submission).

Conditions:
Polycystic kidney disease, adult type (PKD1). Also called: Polycystic Kidney, Autosomal Dominant; Polycystic Kidney Disease 1, Autosomal Dominant; Polycystic kidney disease 1; Polycystic kidney disease 1, severe; POLYCYSTIC KIDNEY DISEASE, ADULT, TYPE I; POLYCYSTIC KIDNEY DISEASE 1 WITH OR WITHOUT POLYCYSTIC LIVER DISEASE. Identifiers: MedGen C3149841, MONDO:0008263, OMIM 173900.

Submission:

Women's Health and Genetics/Laboratory Corporation of America, LabCorp
Classification: Pathogenic for Polycystic kidney disease, adult type. Last evaluated: 2025-10-08. Review status: criteria provided, single submitter. Criteria: LabCorp Variant Classification Summary - May 2015. Collection method: clinical testing. Allele origin: germline.
Comment: Variant summary: The variant involves the deletion of exons 14-20 in the PKD1 gene. A presumed nomenclature of c.(3161+1_3162-1)_(7863+1_7864-1)del has been designated for the purposes of this classification. This Copy Number Variant (CNV) is expected to alter the reading frame and predicted to result in a truncation or absence of the encoded protein due to nonsense mediated decay (NMD). Loss-of-function variants in this gene are known to be pathogenic. The variant was absent in 21694 control chromosomes. To our knowledge, no occurrence of c.(3161+1_3162-1)_(7863+1_7864-1)del in individuals affected with PKD1-related conditions and no experimental evidence demonstrating its impact on protein function have been reported. No submitters have cited clinical-significance assessments for this variant to ClinVar. Based on the evidence outlined above, the variant was classified as pathogenic.